The following is an entry in ClinVar:

NM_002907.4(RECQL):c.1422G>C (p.Met474Ile)

Gene: RECQL (RecQ like helicase; minus strand). Cytogenetic location: 12p12.1.
Variant type: single nucleotide variant.
Coding change: c.1422G>C on transcript NM_002907.4 (MANE Select); coding-DNA position 1422, G replaced by C.
Protein change: p.Met474Ile; replaces methionine 474 with isoleucine.
Molecular consequence: missense variant.
Genome position (GRCh38, 1-based): chr12:21,473,576, C>G on the plus strand (G>C on the coding strand, the complement: RECQL is on the minus strand). VCF-style: chr12-21473576-C-G. GRCh37 (hg19) VCF-style: chr12-21626510-C-G.
Other names: c.1422G>C, p.Met474Ile (NM_032941.3); short protein forms M474I.
Identifiers: ClinVar variation 1772291 (VCV001772291.3), dbSNP rs754146708, ClinGen allele CA6478757.
Genomic context (GRCh38, chr12:21,473,576, plus strand): 5'-TTAGCCTATAAAGGTTTACAAAACAACAAACTCACCACTGTCTTTACAGCAGTTATCGCA[C>G]ATTTTGTTACATGCTTCTGAGTTCCATACTTCATCAAAATGTTGAGCCATCAACACACGA-3'
Protein context (NP_002898.2, residues 464-484): EVWNSEACNK[Met474Ile]CDNCCKDSAF

ClinVar aggregate classification (germline): Uncertain significance (1 of 4 stars; one submission).

Allele frequency attached by ClinVar (database versions not stated): gnomAD exomes below 0.00001.

Submission:

Ambry Genetics
Classification: Uncertain significance. Last evaluated: 2024-12-27. Review status: criteria provided, single submitter. Criteria: Ambry Variant Classification Scheme 2023. Collection method: clinical testing. Allele origin: germline.
Comment: The p.M474I variant (also known as c.1422G>C), located in coding exon 11 of the RECQL gene, results from a G to C substitution at nucleotide position 1422. The methionine at codon 474 is replaced by isoleucine, an amino acid with highly similar properties. This amino acid position is conserved. In addition, the in silico prediction for this alteration is inconclusive. Since supporting evidence is limited at this time, the clinical significance of this alteration remains unclear.